The following is an entry in ClinVar:

NM_001105247.2(ARMC5):c.393G>C (p.Leu131Phe)

Genes: ARMC5 (armadillo repeat containing 5; plus strand), LOC130058906 (ATAC-STARR-seq lymphoblastoid silent region 7419; plus strand). Cytogenetic location: 16p11.2.
Variant type: single nucleotide variant.
Coding change: c.393G>C on transcript NM_001105247.2 (MANE Select); coding-DNA position 393, G replaced by C.
Protein change: p.Leu131Phe; replaces leucine 131 with phenylalanine.
Molecular consequence: missense variant.
Genome position (GRCh38, 1-based): chr16:31,459,917, G>C. VCF-style: chr16-31459917-G-C. GRCh37 (hg19) VCF-style: chr16-31471238-G-C.
Other names: c.678G>C, p.Leu226Phe (NM_001288767.2); c.489G>C, p.Leu163Phe (NM_001301820.1); c.393G>C, p.Leu131Phe (NM_024742.2); short protein forms L131F, L163F, L226F.
Identifiers: ClinVar variation 4528177 (VCV004528177.1).

ClinVar aggregate classification (germline): Uncertain significance (1 of 4 stars; one submission).

Submission:

GeneDx
Classification: Uncertain significance. Last evaluated: 2025-05-07. Review status: criteria provided, single submitter. Criteria: GeneDx Variant Classification Process June 2021. Collection method: clinical testing. Allele origin: germline. Affected: yes.
Comment: In silico analysis suggests that this missense variant does not alter protein structure/function; Has not been previously published as pathogenic or benign to our knowledge